The following is an entry in ClinVar:

ClinVar aggregate classification (germline): Uncertain significance (1 of 4 stars; one submission).

gnomAD v4.1: 1 of 1,591,226 alleles (0.000063%); highest among the groups gnomAD compares: African/African-American, 0.0013%; no homozygotes.

Submission:

Labcorp Genetics (formerly Invitae), Labcorp
Classification: Uncertain significance. Last evaluated: 2022-08-23. Review status: criteria provided, single submitter. Criteria: Invitae Variant Classification Sherloc (09022015). Collection method: clinical testing. Allele origin: germline.
Comment: This sequence change replaces aspartic acid, which is acidic and polar, with glycine, which is neutral and non-polar, at codon 1289 of the MYO7A protein (p.Asp1289Gly). This variant is not present in population databases (gnomAD no frequency). This variant has not been reported in the literature in individuals affected with MYO7A-related conditions. Advanced modeling of protein sequence and biophysical properties (such as structural, functional, and spatial information, amino acid conservation, physicochemical variation, residue mobility, and thermodynamic stability) performed at Invitae indicates that this missense variant is not expected to disrupt MYO7A protein function. In summary, the available evidence is currently insufficient to determine the role of this variant in disease. Therefore, it has been classified as a Variant of Uncertain Significance.

NM_000260.4(MYO7A):c.3866A>G (p.Asp1289Gly)

Gene: MYO7A (myosin VIIA; plus strand). Cytogenetic location: 11q13.5.
Variant type: single nucleotide variant.
Coding change: c.3866A>G on transcript NM_000260.4 (MANE Select); coding-DNA position 3866, A replaced by G.
Protein change: p.Asp1289Gly; replaces aspartic acid 1289 with glycine.
Molecular consequence: missense variant.
Genome position (GRCh38, 1-based): chr11:77,190,812, A>G. VCF-style: chr11-77190812-A-G. GRCh37 (hg19) VCF-style: chr11-76901857-A-G.
Other names: c.3866A>G, p.Asp1289Gly (NM_001127180.2); c.3833A>G, p.Asp1278Gly (NM_001369365.1); short protein forms D1278G, D1289G.
Identifiers: ClinVar variation 1964415 (VCV001964415.2), dbSNP rs1474147212, ClinGen allele CA381947798.